The following is an entry in ClinVar:

ClinVar aggregate classification (germline): Pathogenic (1 of 4 stars; one submission).

Submission:

Athena Diagnostics
Classification: Pathogenic. Last evaluated: 2021-06-24. Review status: criteria provided, single submitter. Criteria: Athena Diagnostics Criteria. Collection method: clinical testing. Allele origin: unknown.
Comment: This variant is expected to result in the loss of a functional protein. This variant has not been reported in large, multi-ethnic general populations. This variant has been identified in at least one individual tested at Athena Diagnostics with clinical features associated with this gene.

NM_182961.4(SYNE1):c.12361_12362delinsG (p.Lys4121fs)

Gene: SYNE1 (spectrin repeat containing nuclear envelope protein 1; minus strand). Cytogenetic location: 6q25.2.
Variant type: Indel.
Coding change: c.12361_12362delinsG on transcript NM_182961.4 (MANE Select); coding-DNA positions 12361 to 12362, AA replaced by G.
Protein change: p.Lys4121fs; shifts the reading frame from lysine 4121.
Molecular consequence: frameshift variant.
Genome position (GRCh38, 1-based): chr6:152,337,007-152,337,008, TT replaced by C on the plus strand (AA replaced by G on the coding strand, the reverse complement: SYNE1 is on the minus strand). VCF-style: chr6-152337007-TT-C. GRCh37 (hg19) VCF-style: chr6-152658142-TT-C.
Other names: c.12148_12149delinsG, p.Lys4050fs (NM_033071.5); short protein forms K4050fs, K4121fs.
Identifiers: ClinVar variation 1807165 (VCV001807165.1), dbSNP rs2485959310, ClinGen allele CA2580075285.